The following is an entry in ClinVar:

NM_001256012.3(MYH10):c.4057-6A>G

Gene: MYH10 (myosin heavy chain 10; minus strand). Cytogenetic location: 17p13.1.
Variant type: single nucleotide variant.
Coding change: c.4057-6A>G on transcript NM_001256012.3 (MANE Select); 6 bases into the intron before coding-DNA position 4057, A replaced by G.
Molecular consequence: intron variant.
Genome position (GRCh38, 1-based): chr17:8,493,891, T>C on the plus strand (A>G on the coding strand, the complement: MYH10 is on the minus strand). VCF-style: chr17-8493891-T-C. GRCh37 (hg19) VCF-style: chr17-8397209-T-C.
Other names: c.3994-6A>G (NM_001375266.1); c.3964-6A>G (NM_005964.5); c.3991-6A>G (NM_001256095.2).
Identifiers: ClinVar variation 3252544 (VCV003252544.1), dbSNP rs2544239587.

ClinVar aggregate classification (germline): Uncertain significance (1 of 4 stars; one submission).

Submission:

GeneDx
Classification: Uncertain significance. Last evaluated: 2023-12-08. Review status: criteria provided, single submitter. Criteria: GeneDx Variant Classification Process June 2021. Collection method: clinical testing. Allele origin: germline. Affected: yes.
Comment: Not observed at significant frequency in large population cohorts (gnomAD); In silico analysis supports a deleterious effect on splicing; Has not been previously published as pathogenic or benign to our knowledge